The following is an entry in ClinVar:

ClinVar aggregate classification (germline): Uncertain significance (1 of 4 stars; one submission).

Submission:

GeneDx
Classification: Uncertain significance. Last evaluated: 2025-04-11. Review status: criteria provided, single submitter. Criteria: GeneDx Variant Classification Process June 2021. Collection method: clinical testing. Allele origin: germline. Affected: yes.
Comment: Not observed at significant frequency in large population cohorts (gnomAD); In silico analysis supports that this missense variant has a deleterious effect on protein structure/function; Has not been previously published as pathogenic or benign to our knowledge

NM_006922.4(SCN3A):c.109C>A (p.Pro37Thr)

Gene: SCN3A (sodium voltage-gated channel alpha subunit 3; minus strand). Cytogenetic location: 2q24.3.
Variant type: single nucleotide variant.
Coding change: c.109C>A on transcript NM_006922.4 (MANE Select); coding-DNA position 109, C replaced by A.
Protein change: p.Pro37Thr; replaces proline 37 with threonine.
Molecular consequence: missense variant.
Genome position (GRCh38, 1-based): chr2:165,176,286, G>T on the plus strand (C>A on the coding strand, the complement: SCN3A is on the minus strand). VCF-style: chr2-165176286-G-T. GRCh37 (hg19) VCF-style: chr2-166032796-G-T.
Other names: c.109C>A, p.Pro37Thr (NM_001081676.2, NM_001081677.2); short protein forms P37T.
Identifiers: ClinVar variation 4282105 (VCV004282105.1).